The following is an entry in ClinVar:

NM_000245.4(MET):c.3163C>T (p.Leu1055Phe)

Gene: MET (MET proto-oncogene, receptor tyrosine kinase; plus strand). Cytogenetic location: 7q31.2.
Variant type: single nucleotide variant.
Coding change: c.3163C>T on transcript NM_000245.4 (MANE Select); coding-DNA position 3163, C replaced by T.
Protein change: p.Leu1055Phe; replaces leucine 1055 with phenylalanine.
Molecular consequence: missense variant.
Genome position (GRCh38, 1-based): chr7:116,775,015, C>T. VCF-style: chr7-116775015-C-T. GRCh37 (hg19) VCF-style: chr7-116415069-C-T.
Other names: c.3217C>T, p.Leu1073Phe (NM_001127500.3); c.1873C>T, p.Leu625Phe (NM_001324402.2); short protein forms L1055F, L625F, L1073F.
Identifiers: ClinVar variation 4647612 (VCV004647612.2).

ClinVar aggregate classification (germline): Uncertain significance. Review status: criteria provided, multiple submitters, no conflicts (2 of 4 stars). 2 submissions from 2 submitters: Uncertain significance (2). Last evaluated 2025-10-01.

Conditions:
Renal cell carcinoma. Identifiers: Orphanet 217071, MedGen C0007134, MeSH D002292, MONDO:0005086, HP:0005584.
Hereditary cancer-predisposing syndrome. Also called: Neoplastic Syndromes, Hereditary; Tumor predisposition; Hereditary Cancer Syndrome; Hereditary neoplastic syndrome. Identifiers: Orphanet 140162, MedGen C0027672, MeSH D009386, MONDO:0015356.

Submissions (2):

Ambry Genetics
Classification: Uncertain significance for Hereditary cancer-predisposing syndrome. Last evaluated: 2025-10-01. Review status: criteria provided, single submitter. Criteria: Ambry Variant Classification Scheme 2023. Collection method: clinical testing. Allele origin: germline.
Comment: The p.L1073F variant (also known as c.3217C>T), located in coding exon 14 of the MET gene, results from a C to T substitution at nucleotide position 3217. The leucine at codon 1073 is replaced by phenylalanine, an amino acid with highly similar properties. This amino acid position is not well conserved in available vertebrate species. In addition, this alteration is predicted to be tolerated by in silico analysis. Based on the available evidence, the clinical significance of this variant remains unclear.

Labcorp Genetics (formerly Invitae), Labcorp
Classification: Uncertain significance for Renal cell carcinoma. Last evaluated: 2025-03-14. Review status: criteria provided, single submitter. Criteria: Invitae Variant Classification Sherloc (09022015). Collection method: clinical testing. Allele origin: germline.
Comment: This sequence change replaces leucine, which is neutral and non-polar, with phenylalanine, which is neutral and non-polar, at codon 1073 of the MET protein (p.Leu1073Phe). This variant is not present in population databases (gnomAD no frequency). This variant has not been reported in the literature in individuals affected with MET-related conditions. Invitae Evidence Modeling of protein sequence and biophysical properties (such as structural, functional, and spatial information, amino acid conservation, physicochemical variation, residue mobility, and thermodynamic stability) indicates that this missense variant is not expected to disrupt MET protein function with a negative predictive value of 80%. In summary, the available evidence is currently insufficient to determine the role of this variant in disease. Therefore, it has been classified as a Variant of Uncertain Significance.